The following is an entry in ClinVar:

ClinVar aggregate classification (germline): Uncertain significance (1 of 4 stars; one submission).

Conditions:
Hypertrophic cardiomyopathy. Also called: HYPERTROPHIC MYOCARDIOPATHY. Identifiers: Orphanet 217569, MedGen C0007194, MeSH D002312, MONDO:0005045, HP:0001639.

Submission:

Labcorp Genetics (formerly Invitae), Labcorp
Classification: Uncertain significance for Hypertrophic cardiomyopathy. Last evaluated: 2025-09-22. Review status: criteria provided, single submitter. Criteria: Invitae Variant Classification Sherloc (09022015). Collection method: clinical testing. Allele origin: germline.
Comment: This sequence change replaces tyrosine, which is neutral and polar, with aspartic acid, which is acidic and polar, at codon 1043 of the MYBPC3 protein (p.Tyr1043Asp). This variant is not present in population databases (gnomAD no frequency). This variant has not been reported in the literature in individuals affected with MYBPC3-related conditions. An algorithm developed to predict the effect of missense changes on protein structure and function (PolyPhen-2) suggests that this variant is likely to be disruptive. In summary, the available evidence is currently insufficient to determine the role of this variant in disease. Therefore, it has been classified as a Variant of Uncertain Significance.

NM_000256.3(MYBPC3):c.3127T>G (p.Tyr1043Asp)

Gene: MYBPC3 (myosin binding protein C3; minus strand). Cytogenetic location: 11p11.2.
Variant type: single nucleotide variant.
Coding change: c.3127T>G on transcript NM_000256.3 (MANE Select); coding-DNA position 3127, T replaced by G.
Protein change: p.Tyr1043Asp; replaces tyrosine 1043 with aspartic acid.
Molecular consequence: missense variant.
Genome position (GRCh38, 1-based): chr11:47,333,620, A>C on the plus strand (T>G on the coding strand, the complement: MYBPC3 is on the minus strand). VCF-style: chr11-47333620-A-C. GRCh37 (hg19) VCF-style: chr11-47355171-A-C.
Other names: short protein forms Y1043D.
Identifiers: ClinVar variation 4727627 (VCV004727627.1).
Genomic context (GRCh38, chr11:47,333,620, plus strand): 5'-CAACCTGCAGCACCAGCGTGGCCTTGTCCTCCATGTTCTCAATGCGCACCGTCACCTGGT[A>C]AGTGCCTGAATGCACGCGGCGAGCGGCCCGGATGAACAGGATGGTGTCTGTGGGGCTGTT-3'
Protein context (NP_000247.2, residues 1033-1053): RAARRVHSGT[Tyr1043Asp]QVTVRIENME